The following is an entry in ClinVar:

ClinVar aggregate classification (germline): Likely benign. Review status: criteria provided, multiple submitters, no conflicts (2 of 4 stars). 5 submissions from 5 submitters: Likely benign (5). Last evaluated 2026-01-31.

Conditions:
Familial melanoma. Also called: Hereditary melanoma; Hereditary cutaneous melanoma. Identifiers: Orphanet 618, MedGen C1512419, MONDO:0018961.
Hereditary cancer-predisposing syndrome. Also called: Neoplastic Syndromes, Hereditary; Hereditary neoplastic syndrome; Hereditary Cancer Syndrome; Tumor predisposition. Identifiers: Orphanet 140162, MedGen C0027672, MeSH D009386, MONDO:0015356.

Allele frequency attached by ClinVar (database versions not stated): gnomAD exomes 0.00001 and 0.00002; ExAC 0.00003; TOPMed 0.00005; gnomAD 0.00003.
gnomAD v4.1: 21 of 1,596,030 alleles (0.0013%); highest among the groups gnomAD compares: African/African-American, 0.0053%; no homozygotes.

Submissions (5):

Labcorp Genetics (formerly Invitae), Labcorp
Classification: Likely benign for Familial melanoma. Last evaluated: 2026-01-31. Review status: criteria provided, single submitter. Criteria: Invitae Variant Classification Sherloc (09022015). Collection method: clinical testing. Allele origin: germline.

Blueprint Genetics
Classification: Likely benign. Last evaluated: 2024-11-12. Review status: criteria provided, single submitter. Criteria: ACMG Guidelines, 2015. Collection method: clinical testing. Allele origin: germline.

Color Diagnostics, LLC DBA Color Health
Classification: Likely benign for Hereditary cancer-predisposing syndrome. Last evaluated: 2017-09-07. Review status: criteria provided, single submitter. Criteria: ACMG Guidelines, 2015. Collection method: clinical testing. Allele origin: germline.

PreventionGenetics, part of Exact Sciences
Classification: Likely benign. Last evaluated: 2017-07-28. Review status: criteria provided, single submitter. Criteria: ACMG Guidelines, 2015. Collection method: clinical testing. Allele origin: germline.

GeneDx
Classification: Likely benign. Last evaluated: 2016-09-22. Review status: criteria provided, single submitter. Criteria: GeneDx Variant Classification (06012015). Collection method: clinical testing. Allele origin: germline. Affected: yes.
Comment: This variant is considered likely benign or benign based on one or more of the following criteria: it is a conservative change, it occurs at a poorly conserved position in the protein, it is predicted to be benign by multiple in silico algorithms, and/or has population frequency not consistent with disease.

NM_000077.5(CDKN2A):c.151-13T>C

Gene: CDKN2A (cyclin dependent kinase inhibitor 2A; minus strand). Cytogenetic location: 9p21.3.
Variant type: single nucleotide variant.
Coding change: c.151-13T>C on transcript NM_000077.5 (MANE Select); 13 bases into the intron before coding-DNA position 151, T replaced by C.
Molecular consequence: intron variant.
Genome position (GRCh38, 1-based): chr9:21,971,221, A>G on the plus strand (T>C on the coding strand, the complement: CDKN2A is on the minus strand). VCF-style: chr9-21971221-A-G. GRCh37 (hg19) VCF-style: chr9-21971220-A-G.
Other names: c.-3-13T>C (NM_001363763.2); c.194-13T>C (NM_058195.4); c.151-13T>C (NM_001195132.2); c.*74-13T>C (NM_058197.5).
Identifiers: ClinVar variation 379165 (VCV000379165.7), dbSNP rs757122222, ClinGen allele CA5012221.